The following is an entry in ClinVar:

ClinVar aggregate classification (germline): Uncertain significance (1 of 4 stars; one submission).

Submission:

CeGaT Center for Human Genetics Tuebingen
Classification: Uncertain significance. Last evaluated: 2023-05-01. Review status: criteria provided, single submitter. Criteria: CeGaT Center For Human Genetics Tuebingen Variant Classification Criteria Version 2. Collection method: clinical testing. Allele origin: germline. Affected: yes. Observed: 5 variant alleles.
Comment: ATP8B1: PM2, PP3

NM_001374385.1(ATP8B1):c.2153T>C (p.Ile718Thr)

Genes: ATP8B1 (ATPase phospholipid transporting 8B1; minus strand), ATP8B1-AS1 (ATP8B1 antisense RNA 1; plus strand). Cytogenetic location: 18q21.31.
Variant type: single nucleotide variant.
Coding change: c.2153T>C on transcript NM_001374385.1 (MANE Select); coding-DNA position 2153, T replaced by C.
Protein change: p.Ile718Thr; replaces isoleucine 718 with threonine.
Molecular consequence: missense variant. On other transcripts: non-coding transcript variant (1).
Genome position (GRCh38, 1-based): chr18:57,668,485, A>G on the plus strand (T>C on the coding strand, the complement: ATP8B1 is on the minus strand). VCF-style: chr18-57668485-A-G. GRCh37 (hg19) VCF-style: chr18-55335717-A-G.
Other names: c.2003T>C, p.Ile668Thr (NM_001374386.1); c.2153T>C, p.Ile718Thr (NM_005603.6); short protein forms I668T, I718T.
Identifiers: ClinVar variation 2498744 (VCV002498744.28), dbSNP rs2511684956, ClinGen allele CA402555386.
Genomic context (GRCh38, chr18:57,668,485, plus strand): 5'-TTACCCTTTTTGTCTCCAGTAAGCACCCAGATCTTAATGTCAGCTTTTGCAAGTTTTGAA[A>G]TGGTTTCTGGAACTCCATCCTGTAGCTTGTCTTCAATAGCTGTAGCTCCCAGGAGCTAGA-3'
Protein context (NP_001361314.1, residues 708-728): DKLQDGVPET[Ile718Thr]SKLAKADIKI